The following is an entry in ClinVar:

NM_007294.4(BRCA1):c.3163G>A (p.Gly1055Ser)

Gene: BRCA1 (BRCA1 DNA repair associated; minus strand). Cytogenetic location: 17q21.31.
Variant type: single nucleotide variant.
Coding change: c.3163G>A on transcript NM_007294.4 (MANE Select); coding-DNA position 3163, G replaced by A.
Protein change: p.Gly1055Ser; replaces glycine 1055 with serine.
Molecular consequence: missense variant. On other transcripts: intron variant (137).
Genome position (GRCh38, 1-based): chr17:43,092,368, C>T on the plus strand (G>A on the coding strand, the complement: BRCA1 is on the minus strand). VCF-style: chr17-43092368-C-T. GRCh37 (hg19) VCF-style: chr17-41244385-C-T.
Other names: c.665-1336G>A (NM_001408441.1, NM_001408437.1, NM_001408429.1 and 12 more transcripts); c.788-1336G>A (NM_001407979.1, NM_001407977.1, NM_001407982.1 and 17 more transcripts); c.647-1336G>A (NM_001408410.1, NM_001408458.1, NM_001408469.1 and 11 more transcripts); c.710-1336G>A (NM_001408415.1, NM_001408412.1, NM_001408409.1 and 2 more transcripts); c.578-1336G>A (NM_001408483.1, NM_001408481.1, NM_001408480.1 and 9 more transcripts); c.2950G>A, p.Gly984Ser (NM_001407571.1, NM_001407853.1, NM_001407894.1 and 9 more transcripts); c.3163G>A, p.Gly1055Ser (NM_001407581.1, NM_001407582.1, NM_001407583.1 and 30 more transcripts); c.3160G>A, p.Gly1054Ser (NM_001407587.1, NM_001407590.1, NM_001407591.1 and 22 more transcripts); and 41 more; short protein forms G1055S, G1008S, G1014S, G1028S, G1029S, G944S, G967S, G984S.
Identifiers: ClinVar variation 630124 (VCV000630124.16), dbSNP rs749417532, ClinGen allele CA058088.
Genomic context (GRCh38, chr17:43,092,368, plus strand): 5'-TTCTACCTAGTTCTGCTTGAATGTTTTCATCACTGGAACCTATTTCATTAATACTGGAGC[C>T]CACTTCATTAGTACTGGAACCTACTTCATTAATATTGCTTGAGCTGGCTTCTTTAAAAAC-3'
Protein context (NP_009225.1, residues 1045-1065): NEVGSSTNEV[Gly1055Ser]SSINEIGSSD

ClinVar aggregate classification (germline): Conflicting classifications of pathogenicity. Review status: criteria provided, conflicting classifications (1 of 4 stars). 6 submissions from 6 submitters: Uncertain significance (5); Likely benign (1). Last evaluated 2025-08-01.

Conditions:
Hereditary cancer-predisposing syndrome. Also called: Neoplastic Syndromes, Hereditary; Tumor predisposition; Hereditary neoplastic syndrome; Hereditary Cancer Syndrome. Identifiers: Orphanet 140162, MedGen C0027672, MeSH D009386, MONDO:0015356.
Hereditary breast ovarian cancer syndrome. Also called: Hereditary breast and ovarian cancer syndrome; Hereditary breast and ovarian cancer; Hereditary breast and ovarian cancer syndrome (HBOC); Breast and ovarian cancer; Hereditary breast and/or ovarian cancer syndrome; BRCA1- and BRCA2-Associated Hereditary Breast and Ovarian Cancer. Identifiers: Orphanet 145, MedGen C0677776, MeSH D061325, MONDO:0003582. Disease mechanism: loss of function.

Allele frequency attached by ClinVar (database versions not stated): gnomAD exomes below 0.00001; ExAC 0.00001.
gnomAD v4.1: 1 of 1,613,876 alleles (0.000062%); highest among the groups gnomAD compares: Admixed American, 0.0017%; no homozygotes.

Submissions (6):

Ambry Genetics
Classification: Uncertain significance for Hereditary cancer-predisposing syndrome. Last evaluated: 2025-08-01. Review status: criteria provided, single submitter. Criteria: Ambry Variant Classification Scheme 2023. Collection method: clinical testing. Allele origin: germline.
Comment: The p.G1055S variant (also known as c.3163G>A), located in coding exon 9 of the BRCA1 gene, results from a G to A substitution at nucleotide position 3163. The glycine at codon 1055 is replaced by serine, an amino acid with similar properties. This amino acid position is well conserved in available vertebrate species. In addition, the in silico prediction for this alteration is inconclusive. Since supporting evidence is limited at this time, the clinical significance of this alteration remains unclear.

Labcorp Genetics (formerly Invitae), Labcorp
Classification: Uncertain significance for Hereditary breast ovarian cancer syndrome. Last evaluated: 2025-06-15. Review status: criteria provided, single submitter. Criteria: Invitae Variant Classification Sherloc (09022015). Collection method: clinical testing. Allele origin: germline.
Comment: This sequence change replaces glycine, which is neutral and non-polar, with serine, which is neutral and polar, at codon 1055 of the BRCA1 protein (p.Gly1055Ser). This variant is present in population databases (rs749417532, gnomAD 0.003%). This variant has not been reported in the literature in individuals affected with BRCA1-related conditions. ClinVar contains an entry for this variant (Variation ID: 630124). Invitae Evidence Modeling of protein sequence and biophysical properties (such as structural, functional, and spatial information, amino acid conservation, physicochemical variation, residue mobility, and thermodynamic stability) indicates that this missense variant is not expected to disrupt BRCA1 protein function with a negative predictive value of 95%. In summary, the available evidence is currently insufficient to determine the role of this variant in disease. Therefore, it has been classified as a Variant of Uncertain Significance.

Quest Diagnostics Nichols Institute San Juan Capistrano
Classification: Uncertain significance. Last evaluated: 2023-05-10. Review status: criteria provided, single submitter. Criteria: Quest Diagnostics criteria. Collection method: clinical testing. Allele origin: unknown.
Comment: The frequency of this variant in the general population, 0.000004 (1/250862 chromosomes), is uninformative in assessment of its pathogenicity. In the published literature, the variant has been briefly reported in a computational study that predicted the variant was pathogenic (PMID: 33937409 (2021)). Analysis of this variant using bioinformatics tools for the prediction of the effect of amino acid changes on protein structure and function yielded predictions that this variant is benign. Based on the available information, we are unable to determine the clinical significance of this variant.

University of Washington Department of Laboratory Medicine, University of Washington
Classification: Likely benign for Hereditary cancer-predisposing syndrome. Last evaluated: 2023-03-23. Review status: criteria provided, single submitter. Criteria: Dines et al. (Genet Med. 2020). Collection method: curation. Allele origin: germline.
Comment: Missense variant in a coldspot region where missense variants are very unlikely to be pathogenic (PMID:31911673).

BRCA1 coldspot (exon 11 using historical exon numbering). Reclassification based on statistical prior probability

GeneDx
Classification: Uncertain significance. Last evaluated: 2021-04-28. Review status: criteria provided, single submitter. Criteria: GeneDx Variant Classification Process June 2021. Collection method: clinical testing. Allele origin: germline. Affected: yes.
Comment: Not observed at a significant frequency in large population cohorts (Lek et al., 2016); In silico analysis supports that this missense variant has a deleterious effect on protein structure/function; In silico analysis suggests this variant may impact gene splicing. In the absence of RNA/functional studies, the actual effect of this sequence change is unknown.; Has not been previously published as germline pathogenic or benign to our knowledge; Also known as 3282G>A; This variant is associated with the following publications: (PMID: 24140581)

Color Diagnostics, LLC DBA Color Health
Classification: Uncertain significance for Hereditary cancer-predisposing syndrome. Last evaluated: 2019-05-02. Review status: criteria provided, single submitter. Criteria: ACMG Guidelines, 2015. Collection method: clinical testing. Allele origin: germline.

Literature cited by the submitters: PubMed 33937409 (cited by Quest Diagnostics Nichols Institute San Juan Capistrano).